The following is an entry in ClinVar:

ClinVar aggregate classification (germline): Uncertain significance (1 of 4 stars; one submission).

Conditions:
MYCBP2-related disorder. Also called: MYCBP2-related condition.

Submission:

3billion
Classification: Uncertain significance for MYCBP2-related disorder. Last evaluated: 2025-09-26. Review status: criteria provided, single submitter. Criteria: ACMG Guidelines, 2015. Collection method: clinical testing. Allele origin: germline. Affected: yes.
Comment: The variant is not observed in the gnomAD v4.1.0 dataset. Predicted Consequence/Location: Stop-gained (nonsense): predicted to result in a loss or disruption of normal protein function through nonsense-mediated decay (NMD) or protein truncation. Multiple pathogenic variants are reported downstream of the variant. Therefore, this variant is classified as VUS according to the recommendation of ACMG/AMP guideline.

NM_015057.5(MYCBP2):c.11071C>T (p.Gln3691Ter)

Genes: MYCBP2 (MYC binding protein 2; minus strand), MYCBP2-AS1 (MYCBP2 antisense RNA 1; plus strand). Cytogenetic location: 13q22.3.
Variant type: single nucleotide variant.
Coding change: c.11071C>T on transcript NM_015057.5 (MANE Select); coding-DNA position 11071, C replaced by T.
Protein change: p.Gln3691Ter; replaces glutamine 3691 with a stop codon.
Molecular consequence: nonsense.
Genome position (GRCh38, 1-based): chr13:77,081,959, G>A on the plus strand (C>T on the coding strand, the complement: MYCBP2 is on the minus strand). VCF-style: chr13-77081959-G-A. GRCh37 (hg19) VCF-style: chr13-77656094-G-A.
Other names: short protein forms Q3691*.
Identifiers: ClinVar variation 4854815 (VCV004854815.1).